The following is an entry in ClinVar:

ClinVar aggregate classification (germline): Uncertain significance (1 of 4 stars; one submission).

Submission:

Labcorp Genetics (formerly Invitae), Labcorp
Classification: Uncertain significance. Last evaluated: 2022-05-23. Review status: criteria provided, single submitter. Criteria: Invitae Variant Classification Sherloc (09022015). Collection method: clinical testing. Allele origin: germline.
Comment: This variant is a gross deletion of the genomic region encompassing exon(s) 9 of the NDUFAF6 gene, which includes the termination codon. This deletion extends beyond the assayed region for this gene and therefore may encompass additional genes. While this deletion is not anticipated to lead to nonsense mediated decay, it is expected to alter mRNA translation or result in a truncated protein product. This variant has not been reported in the literature in individuals affected with NDUFAF6-related conditions. Experimental studies and prediction algorithms are not available or were not evaluated, and the functional significance of this variant is currently unknown. In summary, the available evidence is currently insufficient to determine the role of this variant in disease. Therefore, it has been classified as a Variant of Uncertain Significance.

NC_000008.10:g.(?_96070017)_(96070165_?)del

Gene: NDUFAF6 (NADH:ubiquinone oxidoreductase complex assembly factor 6; plus strand). Cytogenetic location: 8q22.1.
Variant type: Deletion.
Identifiers: ClinVar variation 2427376 (VCV002427376.4).